The following is an entry in ClinVar:

ClinVar aggregate classification (germline): Uncertain significance (1 of 4 stars; one submission).

Submission:

CeGaT Center for Human Genetics Tuebingen
Classification: Uncertain significance. Last evaluated: 2026-09-01. Review status: criteria provided, single submitter. Criteria: CeGaT Center For Human Genetics Tuebingen Variant Classification Criteria Version 2. Collection method: clinical testing. Allele origin: germline. Affected: yes. Observed: 1 variant allele.
Comment: MYCN: PM2

NM_005378.6(MYCN):c.784G>A (p.Asp262Asn)

Gene: MYCN (MYCN proto-oncogene, bHLH transcription factor; plus strand). Cytogenetic location: 2p24.3.
Variant type: single nucleotide variant.
Coding change: c.784G>A on transcript NM_005378.6 (MANE Select); coding-DNA position 784, G replaced by A.
Protein change: p.Asp262Asn; replaces aspartic acid 262 with asparagine.
Molecular consequence: missense variant. On other transcripts: 3 prime UTR variant (1), intron variant (1).
Genome position (GRCh38, 1-based): chr2:15,942,848, G>A. VCF-style: chr2-15942848-G-A. GRCh37 (hg19) VCF-style: chr2-16082970-G-A.
Other names: c.784G>A, p.Asp262Asn (NM_001293228.2); c.*719G>A (NM_001293233.2); c.157+2105G>A (NM_001293231.2); short protein forms D262N.
Identifiers: ClinVar variation 5041316 (VCV005041316.1).
Genomic context (GRCh38, chr2:15,942,848, plus strand): 5'-CGCCAGACCAGCGGCGGCGACCACAAGGCCCTCAGTACCTCCGGAGAGGACACCCTGAGC[G>A]ATTCAGGTAAAGACCGAACTCGGGTCCGGCTGCCTCCCTGGGGCACTGGACCCCGGGTCG-3'
Protein context (NP_005369.2, residues 252-272): LSTSGEDTLS[Asp262Asn]SDDEDDEEED